The following is an entry in ClinVar:

NM_138348.6(OTULIN):c.104C>T (p.Ala35Val)

Gene: OTULIN (OTU deubiquitinase with linear linkage specificity; plus strand). Cytogenetic location: 5p15.2.
Variant type: single nucleotide variant.
Coding change: c.104C>T on transcript NM_138348.6 (MANE Select); coding-DNA position 104, C replaced by T.
Protein change: p.Ala35Val; replaces alanine 35 with valine.
Molecular consequence: missense variant.
Genome position (GRCh38, 1-based): chr5:14,664,929, C>T. VCF-style: chr5-14664929-C-T. GRCh37 (hg19) VCF-style: chr5-14665038-C-T.
Other names: short protein forms A35V.
Identifiers: ClinVar variation 4085080 (VCV004085080.8).

ClinVar aggregate classification (germline): Uncertain significance (1 of 4 stars; one submission).

Submission:

CeGaT Center for Human Genetics Tuebingen
Classification: Uncertain significance. Last evaluated: 2025-07-01. Review status: criteria provided, single submitter. Criteria: CeGaT Center For Human Genetics Tuebingen Variant Classification Criteria Version 2. Collection method: clinical testing. Allele origin: germline. Affected: yes. Observed: 1 variant allele.
Comment: OTULIN: PM2